The following is an entry in ClinVar:

NM_000051.4(ATM):c.8909del (p.Leu2970fs)

Genes: ATM (ATM serine/threonine kinase; plus strand), C11orf65 (chromosome 11 open reading frame 65; minus strand). Cytogenetic location: 11q22.3.
Variant type: Deletion.
Coding change: c.8909del on transcript NM_000051.4 (MANE Select); coding-DNA position 8909, one base deleted (T; older notation c.8909delT).
Protein change: p.Leu2970fs; shifts the reading frame from leucine 2970.
Molecular consequence: frameshift variant. On other transcripts: intron variant (2).
Genome position (GRCh38, 1-based): chr11:108,365,140, T deleted; the last of 3 consecutive T bases (chr11:108,365,138-108,365,140); deleting any one gives the same sequence. VCF-style (leftmost placement, unchanged base first): chr11-108365137-AT-A. GRCh37 (hg19) VCF-style: chr11-108235864-AT-A.
Other names: c.8909del, p.Leu2970fs (NM_001351834.2); c.640+20782del (NM_001330368.2); c.694+20782del (NM_001351110.2); short protein forms L2970fs.
Identifiers: ClinVar variation 2823155 (VCV002823155.4), dbSNP rs2547675847, ClinGen allele CA2739265990.

ClinVar aggregate classification (germline): Pathogenic. Review status: criteria provided, multiple submitters, no conflicts (2 of 4 stars). 2 submissions from 2 submitters: Pathogenic (2). Last evaluated 2024-02-06.

Conditions:
Ataxia-telangiectasia syndrome (AT). Also called: LOUIS-BAR SYNDROME; Cerebello-oculocutaneous telangiectasia; Immunodeficiency with ataxia telangiectasia; Ataxia telangiectasia (A-T); Ataxia-telangiectasia, complementation group D; AT, COMPLEMENTATION GROUP C. Identifiers: Orphanet 100, MedGen C0004135, MONDO:0008840, OMIM 208900.
Familial cancer of breast. Also called: BREAST CANCER, FAMILIAL; Hereditary breast cancer; hereditary breast carcinoma. Identifiers: Orphanet 227535, MedGen C0346153, MONDO:0016419, OMIM 114480. Disease mechanism: loss of function.

Submissions (2):

Myriad Genetics, Inc.
Classification: Pathogenic for Familial cancer of breast. Last evaluated: 2024-02-06. Review status: criteria provided, single submitter. Criteria: Myriad Autosomal Dominant, Autosomal Recessive and X-Linked Classification Criteria (2023). Collection method: clinical testing. Allele origin: unknown.
Comment: This variant is considered pathogenic. This variant creates a frameshift predicted to result in premature protein truncation.

Labcorp Genetics (formerly Invitae), Labcorp
Classification: Pathogenic for Ataxia-telangiectasia syndrome. Last evaluated: 2022-12-22. Review status: criteria provided, single submitter. Criteria: Invitae Variant Classification Sherloc (09022015). Collection method: clinical testing. Allele origin: germline.
Comment: For these reasons, this variant has been classified as Pathogenic. This variant disrupts a region of the ATM protein in which other variant(s) (p.Arg3047*) have been determined to be pathogenic (PMID: 8755918, 10980530, 18560558, 19691550, 26628246). This suggests that this is a clinically significant region of the protein, and that variants that disrupt it are likely to be disease-causing. This variant has not been reported in the literature in individuals affected with ATM-related conditions. This variant is not present in population databases (gnomAD no frequency). This sequence change creates a premature translational stop signal (p.Leu2970Tyrfs*15) in the ATM gene. While this is not anticipated to result in nonsense mediated decay, it is expected to disrupt the last 87 amino acid(s) of the ATM protein.

Literature cited by the submitters: PubMed 8755918 (cited by Labcorp Genetics (formerly Invitae), Labcorp); PubMed 10980530 (cited by Labcorp Genetics (formerly Invitae), Labcorp); PubMed 18560558 (cited by Labcorp Genetics (formerly Invitae), Labcorp); PubMed 19691550 (cited by Labcorp Genetics (formerly Invitae), Labcorp); PubMed 26628246 (cited by Labcorp Genetics (formerly Invitae), Labcorp).